The following is an entry in ClinVar:

ClinVar aggregate classification (germline): Uncertain significance (1 of 4 stars; one submission).

Submission:

GeneDx
Classification: Uncertain significance. Last evaluated: 2024-11-12. Review status: criteria provided, single submitter. Criteria: GeneDx Variant Classification Process June 2021. Collection method: clinical testing. Allele origin: germline. Affected: yes.
Comment: Not observed at significant frequency in large population cohorts (gnomAD); In silico analysis indicates that this missense variant does not alter protein structure/function; Has not been previously published as pathogenic or benign to our knowledge

NM_004606.5(TAF1):c.4051C>T (p.Leu1351Phe)

Gene: TAF1 (TATA-box binding protein associated factor 1; plus strand). Cytogenetic location: Xq13.1.
Variant type: single nucleotide variant.
Coding change: c.4051C>T on transcript NM_004606.5 (MANE Select); coding-DNA position 4051, C replaced by T.
Protein change: p.Leu1351Phe; replaces leucine 1351 with phenylalanine.
Molecular consequence: missense variant. On other transcripts: non-coding transcript variant (9).
Genome position (GRCh38, 1-based): chrX:71,406,690, C>T. VCF-style: chrX-71406690-C-T. GRCh37 (hg19) VCF-style: chrX-70626540-C-T.
Other names: c.4051C>T, p.Leu1351Phe (NM_001286074.2); c.3988C>T, p.Leu1330Phe (NM_138923.4); short protein forms L1330F, L1351F.
Identifiers: ClinVar variation 451343 (VCV000451343.3), dbSNP rs1555979727, ClinGen allele CA413535604.